The following is an entry in ClinVar:

NM_005859.5(PURA):c.588C>A (p.Ile196=)

Gene: PURA (purine rich element binding protein A; plus strand). Cytogenetic location: 5q31.3.
Variant type: single nucleotide variant.
Coding change: c.588C>A on transcript NM_005859.5 (MANE Select); coding-DNA position 588, C replaced by A.
Protein change: p.Ile196=; no amino-acid change (isoleucine 196 retained).
Molecular consequence: synonymous variant.
Genome position (GRCh38, 1-based): chr5:140,114,769, C>A. VCF-style: chr5-140114769-C-A. GRCh37 (hg19) VCF-style: chr5-139494354-C-A.
Identifiers: ClinVar variation 4719924 (VCV004719924.1).

ClinVar aggregate classification (germline): Uncertain significance (1 of 4 stars; one submission).

Conditions:
PURA-related severe neonatal hypotonia-seizures-encephalopathy syndrome (NEDRIHF). Also called: NEURODEVELOPMENTAL DISORDER WITH NEONATAL RESPIRATORY INSUFFICIENCY, HYPOTONIA, AND FEEDING DIFFICULTIES; PURA-Related Neurodevelopmental Disorders. Identifiers: Orphanet 438213, Orphanet 438216, MedGen C4015357, MONDO:1060108, OMIM 616158, MONDO:0018580.

Submission:

Labcorp Genetics (formerly Invitae), Labcorp
Classification: Uncertain significance for PURA-related severe neonatal hypotonia-seizures-encephalopathy syndrome. Last evaluated: 2025-05-21. Review status: criteria provided, single submitter. Criteria: Invitae Variant Classification Sherloc (09022015). Collection method: clinical testing. Allele origin: germline.
Comment: This sequence change affects codon 196 of the PURA mRNA. It is a 'silent' change, meaning that it does not change the encoded amino acid sequence of the PURA protein. This variant is not present in population databases (gnomAD no frequency). This variant has not been reported in the literature in individuals affected with PURA-related conditions. In summary, the available evidence is currently insufficient to determine the role of this variant in disease. Therefore, it has been classified as a Variant of Uncertain Significance.